The following is an entry in ClinVar:

NM_001171174.1(CX3CR1):c.10C>G (p.Pro4Ala)

Gene: CX3CR1 (C-X3-C motif chemokine receptor 1; minus strand). Cytogenetic location: 3p22.2.
Variant type: single nucleotide variant.
Coding change: c.10C>G on transcript NM_001171174.1; coding-DNA position 10, C replaced by G.
Protein change: p.Pro4Ala; replaces proline 4 with alanine.
Molecular consequence: missense variant.
Genome position (GRCh38, 1-based): chr3:39,281,686, G>C on the plus strand (C>G on the coding strand, the complement: CX3CR1 is on the minus strand). VCF-style: chr3-39281686-G-C. GRCh37 (hg19) VCF-style: chr3-39323177-G-C.
Other names: short protein forms P4A.
Identifiers: ClinVar variation 992523 (VCV000992523.8), dbSNP rs147724093, ClinGen allele CA2327084.

ClinVar aggregate classification (germline): Uncertain significance. Review status: criteria provided, multiple submitters, no conflicts (2 of 4 stars). 3 submissions from 3 submitters: Uncertain significance (2). 1 of the submissions does not count toward it.

Conditions:
CX3CR1-related disorder. Also called: CX3CR1-related condition.
Coronary heart disease, susceptibility to, 1. Identifiers: MedGen C1846418, MONDO:0011817, OMIM 607339.
Susceptibility to HIV infection. Also called: Human immunodeficiency virus type 1, susceptibility to; HIV-1, SUSCEPTIBILITY TO; HUMAN IMMUNODEFICIENCY VIRUS TYPE 1, RESISTANCE TO. Identifiers: MedGen C1836230, MONDO:0004951, OMIM 609423.
Age related macular degeneration 12. Identifiers: MedGen C3151079, MONDO:0013420, OMIM 613784.

Allele frequency attached by ClinVar (database versions not stated): 1000 Genomes Project 30x 0.00141; 1000 Genomes Project 0.00180; ESP Exome Variant Server 0.00505; ExAC 0.00596; gnomAD 0.00497 and 0.00570; gnomAD exomes 0.00512; TOPMed 0.00654.
gnomAD v4.1: 10,552 of 1,598,006 alleles (0.66%); highest among the groups gnomAD compares: Non-Finnish European, 0.79%; 44 homozygotes.

Submissions (3):

Breakthrough Genomics
Classification: Uncertain significance. Review status: criteria provided, single submitter. Criteria: ACMG Guidelines, 2015. Collection method: not provided. Allele origin: germline. Inheritance: Unknown mechanism. Affected: yes.

Center for Genomics, Ann and Robert H. Lurie Children's Hospital of Chicago
Classification: Uncertain significance for Susceptibility to HIV infection; Age related macular degeneration 12; Coronary heart disease, susceptibility to, 1. Review status: criteria provided, single submitter. Criteria: ACMG Guidelines, 2015. Collection method: clinical testing. Allele origin: germline.
Comment: CX3CR1 NM_001171174.1 exon 1 p.Pro4Ala (c.10C>G): This variant has not been reported in the literature but is present in 0.8% (1048/123526) of European alleles, including 5 homozygotes in the Genome Aggregation Database. Evolutionary conservation and computational predictive tools suggest that this variant may not impact the protein. In summary, data on this variant is insufficient for disease classification. Therefore, the clinical significance of this variant is uncertain.

PreventionGenetics, part of Exact Sciences
Classification: Benign for CX3CR1-related condition. Last evaluated: 2020-03-04. Review status: no assertion criteria provided. Collection method: clinical testing. Allele origin: germline. Not counted in ClinVar's aggregate classification.
Comment: This variant is classified as benign based on ACMG/AMP sequence variant interpretation guidelines (Richards et al. 2015 PMID: 25741868, with internal and published modifications).